The following is an entry in ClinVar:

ClinVar aggregate classification (germline): Likely benign (1 of 4 stars; one submission).

Allele frequency attached by ClinVar (database versions not stated): gnomAD 0.00842 and 0.00913; 1000 Genomes Project 30x 0.00874; 1000 Genomes Project 0.00919; TOPMed 0.00947.
gnomAD v4.1: 1,272 of 152,324 alleles (0.84%); highest among the groups gnomAD compares: African/African-American, 2.9%; 21 homozygotes.

Submission:

GeneDx
Classification: Likely benign. Last evaluated: 2018-06-14. Review status: criteria provided, single submitter. Criteria: GeneDx Variant Classification (06012015). Collection method: clinical testing. Allele origin: germline. Affected: yes.
Comment: This variant is considered likely benign or benign based on one or more of the following criteria: it is a conservative change, it occurs at a poorly conserved position in the protein, it is predicted to be benign by multiple in silico algorithms, and/or has population frequency not consistent with disease.

NM_000540.3(RYR1):c.5814+295C>T

Gene: RYR1 (ryanodine receptor 1; plus strand). Cytogenetic location: 19q13.2.
Variant type: single nucleotide variant.
Coding change: c.5814+295C>T on transcript NM_000540.3 (MANE Select); 295 bases into the intron after coding-DNA position 5814, C replaced by T.
Molecular consequence: intron variant.
Genome position (GRCh38, 1-based): chr19:38,489,738, C>T. VCF-style: chr19-38489738-C-T. GRCh37 (hg19) VCF-style: chr19-38980378-C-T.
Other names: c.5814+295C>T (NM_001042723.2).
Identifiers: ClinVar variation 668571 (VCV000668571.1), dbSNP rs142572821, ClinGen allele CA308097082.